The following is an entry in ClinVar:

ClinVar aggregate classification (germline): Uncertain significance. Review status: criteria provided, multiple submitters, no conflicts (2 of 4 stars). 2 submissions from 2 submitters: Uncertain significance (2). Last evaluated 2025-09-11.

Conditions:
Hereditary cancer-predisposing syndrome. Also called: Tumor predisposition; Hereditary neoplastic syndrome; Neoplastic Syndromes, Hereditary; Hereditary Cancer Syndrome. Identifiers: Orphanet 140162, MedGen C0027672, MeSH D009386, MONDO:0015356.
Multiple endocrine neoplasia, type 2 (MEN2). Identifiers: Orphanet 653, MedGen C4048306, MONDO:0019003. Disease mechanism: gain of function.

Allele frequency attached by ClinVar (database versions not stated): gnomAD exomes below 0.00001; ExAC 0.00001; TOPMed 0.00001.
gnomAD v4.1: 4 of 1,613,700 alleles (0.00025%); highest among the groups gnomAD compares: South Asian, 0.0011%; no homozygotes.

Submissions (2):

Labcorp Genetics (formerly Invitae), Labcorp
Classification: Uncertain significance for Multiple endocrine neoplasia, type 2. Last evaluated: 2025-09-11. Review status: criteria provided, single submitter. Criteria: Invitae Variant Classification Sherloc (09022015). Collection method: clinical testing. Allele origin: germline.
Comment: This sequence change replaces aspartic acid, which is acidic and polar, with tyrosine, which is neutral and polar, at codon 898 of the RET protein (p.Asp898Tyr). The frequency data for this variant in the population databases is considered unreliable, as metrics indicate poor data quality at this position in the gnomAD database. This missense change has been observed in individual(s) with RET-related conditions (PMID: 26071011, 29850289, 33219105). ClinVar contains an entry for this variant (Variation ID: 136112). An algorithm developed to predict the effect of missense changes on protein structure and function (PolyPhen-2) suggests that this variant is likely to be disruptive. In summary, the available evidence is currently insufficient to determine the role of this variant in disease. Therefore, it has been classified as a Variant of Uncertain Significance.

Ambry Genetics
Classification: Uncertain significance for Hereditary cancer-predisposing syndrome. Last evaluated: 2024-12-16. Review status: criteria provided, single submitter. Criteria: Ambry Variant Classification Scheme 2023. Collection method: clinical testing. Allele origin: germline.
Comment: The p.D898Y variant (also known as c.2692G>T), located in coding exon 15 of the RET gene, results from a G to T substitution at nucleotide position 2692. The aspartic acid at codon 898 is replaced by tyrosine, an amino acid with highly dissimilar properties. This variant has been reported in individuals reported to have multiple endocrine neoplasia type 2 (MEN2); however, specific clinical information was not provided (Lang BH et al. World J Surg, 2015 Oct;39:2484-91). This amino acid position is highly conserved in available vertebrate species. In addition, this alteration is predicted to be deleterious by in silico analysis. Based on the available evidence, the clinical significance of this variant remains unclear.

Literature cited by the submitters: PubMed 26071011 (cited by Labcorp Genetics (formerly Invitae), Labcorp and Ambry Genetics); PubMed 29850289 (cited by Labcorp Genetics (formerly Invitae), Labcorp and Ambry Genetics); PubMed 33219105 (cited by Labcorp Genetics (formerly Invitae), Labcorp).

NM_020975.6(RET):c.2692G>T (p.Asp898Tyr)

Gene: RET (ret proto-oncogene; plus strand). Cytogenetic location: 10q11.21.
Variant type: single nucleotide variant.
Coding change: c.2692G>T on transcript NM_020975.6 (MANE Select); coding-DNA position 2692, G replaced by T.
Protein change: p.Asp898Tyr; replaces aspartic acid 898 with tyrosine.
Molecular consequence: missense variant.
Genome position (GRCh38, 1-based): chr10:43,120,165, G>T. VCF-style: chr10-43120165-G-T. GRCh37 (hg19) VCF-style: chr10-43615613-G-T.
Other names: c.2692G>T, p.Asp898Tyr (NM_000323.2, NM_001406743.1, NM_001406744.1 and 4 more transcripts); c.1930G>T, p.Asp644Tyr (NM_001355216.2); c.2563G>T, p.Asp855Tyr (NM_001406761.1, NM_001406762.1, NM_001406764.1); c.2557G>T, p.Asp853Tyr (NM_001406763.1, NM_001406765.1); c.2404G>T, p.Asp802Tyr (NM_001406766.1, NM_001406767.1, NM_001406770.1); c.2428G>T, p.Asp810Tyr (NM_001406768.1); c.2296G>T, p.Asp766Tyr (NM_001406769.1, NM_001406772.1); c.2254G>T, p.Asp752Tyr (NM_001406771.1, NM_001406773.1); and 10 more; short protein forms D898Y, D644Y, D415Y, D554Y, D568Y, D503Y, D559Y, D656Y.
Identifiers: ClinVar variation 136112 (VCV000136112.17), dbSNP rs587780810, ClinGen allele CA009013.